The following is an entry in ClinVar:

NM_018897.3(DNAH7):c.6492G>A (p.Met2164Ile)

Gene: DNAH7 (dynein axonemal heavy chain 7; minus strand). Cytogenetic location: 2q32.3.
Variant type: single nucleotide variant.
Coding change: c.6492G>A on transcript NM_018897.3 (MANE Select); coding-DNA position 6492, G replaced by A.
Protein change: p.Met2164Ile; replaces methionine 2164 with isoleucine.
Molecular consequence: missense variant.
Genome position (GRCh38, 1-based): chr2:195,872,391, C>T on the plus strand (G>A on the coding strand, the complement: DNAH7 is on the minus strand). VCF-style: chr2-195872391-C-T. GRCh37 (hg19) VCF-style: chr2-196737115-C-T.
Other names: c.6492G>A (NM_018897.2); short protein forms M2164I.
Identifiers: ClinVar variation 2500170 (VCV002500170.3), dbSNP rs192120666, ClinGen allele CA2035077.

ClinVar aggregate classification (germline): Likely pathogenic. Review status: criteria provided, single submitter (1 of 4 stars). 3 submissions from 3 submitters: Likely pathogenic (1). 2 of the submissions do not count toward it. Last evaluated 2025-09-09.

Conditions:
DNAH7-related disorder. Also called: DNAH7-related condition.
Ciliary dyskinesia, primary, 50 (CILD50). Identifiers: MedGen C5830473, MONDO:0957252, OMIM 620356.

Allele frequency attached by ClinVar (database versions not stated): gnomAD 0.00030; gnomAD exomes 0.00036; TOPMed 0.00053; ExAC 0.00064; 1000 Genomes Project 0.00120; 1000 Genomes Project 30x 0.00125.
gnomAD v4.1: 569 of 1,613,886 alleles (0.035%); highest among the groups gnomAD compares: East Asian, 1.2%; 8 homozygotes.

Submissions (3):

First Genomix Gene Laboratory, Genetic Diagnostics Department
Classification: Likely pathogenic for Ciliary dyskinesia, primary, 50. Last evaluated: 2025-09-09. Review status: criteria provided, single submitter. Criteria: ACMG Guidelines, 2015. Collection method: clinical testing. Allele origin: germline. Inheritance: Autosomal recessive inheritance. Affected: no. Observed: 1 variant allele.

OMIM
Classification: Pathogenic for CILIARY DYSKINESIA, PRIMARY, 50. Last evaluated: 2023-04-28. Review status: no assertion criteria provided. Collection method: literature only. Allele origin: germline. Not counted in ClinVar's aggregate classification.

PreventionGenetics, part of Exact Sciences
Classification: Likely benign for DNAH7-related condition. Last evaluated: 2019-03-29. Review status: no assertion criteria provided. Collection method: clinical testing. Allele origin: germline. Not counted in ClinVar's aggregate classification.
Comment: This variant is classified as likely benign based on ACMG/AMP sequence variant interpretation guidelines (Richards et al. 2015 PMID: 25741868, with internal and published modifications).

Literature cited by the submitters: PubMed 34476482 (cited by OMIM).